The following is an entry in ClinVar:

ClinVar aggregate classification (germline): Likely benign. Review status: criteria provided, multiple submitters, no conflicts (2 of 4 stars). 3 submissions from 3 submitters: Likely benign (3). Last evaluated 2025-03-20.

Conditions:
Hereditary pheochromocytoma and paraganglioma. Also called: Hereditary paragangliomas and pheochromocytomas; Hereditary pheochromocytoma-paraganglioma; Hereditary Paraganglioma-Pheochromocytoma Syndromes. Identifiers: Orphanet 29072, MedGen C4274332, MONDO:0017366.
Pheochromocytoma/paraganglioma syndrome 1. Also called: PARAGANGLIOMATA; Paragangliomas 1; Glomus tumors familial 1; Paraganglioma - glomus jugulare; SDHD-Related Hereditary Paraganglioma-Pheochromocytoma Syndrome; PARAGANGLIOMAS, FAMILIAL NONCHROMAFFIN, 1. Identifiers: Orphanet 29072, MedGen C3494181, MONDO:0008192, OMIM 168000.
Carney-Stratakis syndrome. Also called: PARAGANGLIOMA AND GASTROINTESTINAL STROMAL TUMOR. Identifiers: Orphanet 97286, MedGen C1847319, MONDO:0011740, OMIM 606864.
Paragangliomas with sensorineural hearing loss. Identifiers: MedGen C1868633.
Pheochromocytoma. Also called: MAX-Related Hereditary Paraganglioma-Pheochromocytoma Syndrome. Identifiers: Orphanet 29072, MedGen C0031511, MONDO:0008233, OMIM 171300, HP:0002666.
Cowden syndrome 3 (CWS3). Identifiers: Orphanet 201, MedGen CN166604, MONDO:0014045.

Allele frequency attached by ClinVar (database versions not stated): ExAC 0.00001; gnomAD exomes 0.00001.
gnomAD v4.1: 3 of 1,612,142 alleles (0.00019%); highest among the groups gnomAD compares: Admixed American, 0.0033%; no homozygotes.

Submissions (3):

Labcorp Genetics (formerly Invitae), Labcorp
Classification: Likely benign for Carney-Stratakis syndrome; Paragangliomas with sensorineural hearing loss; Pheochromocytoma; Cowden syndrome 3. Last evaluated: 2025-03-20. Review status: criteria provided, single submitter. Criteria: Invitae Variant Classification Sherloc (09022015). Collection method: clinical testing. Allele origin: germline.

Myriad Genetics, Inc.
Classification: Likely benign for Pheochromocytoma/paraganglioma syndrome 1. Last evaluated: 2025-03-17. Review status: criteria provided, single submitter. Criteria: Myriad Autosomal Dominant, Autosomal Recessive and X-Linked Classification Criteria (2023). Collection method: clinical testing. Allele origin: unknown.
Comment: This variant is considered likely benign. This variant is intronic and is not expected to impact mRNA splicing.

Color Diagnostics, LLC DBA Color Health
Classification: Likely benign for Hereditary pheochromocytoma and paraganglioma. Last evaluated: 2022-05-02. Review status: criteria provided, single submitter. Criteria: ACMG Guidelines, 2015. Collection method: clinical testing. Allele origin: germline.

NM_003002.4(SDHD):c.170-6T>C

Gene: SDHD (succinate dehydrogenase complex subunit D; plus strand). Cytogenetic location: 11q23.1.
Variant type: single nucleotide variant.
Coding change: c.170-6T>C on transcript NM_003002.4 (MANE Select); 6 bases into the intron before coding-DNA position 170, T replaced by C.
Molecular consequence: intron variant.
Genome position (GRCh38, 1-based): chr11:112,088,861, T>C. VCF-style: chr11-112088861-T-C. GRCh37 (hg19) VCF-style: chr11-111959585-T-C.
Other names: c.170-6T>C (NM_001276506.2); c.169+888T>C (NM_001276503.2); c.53-6T>C (NM_001276504.2).
Identifiers: ClinVar variation 1148820 (VCV001148820.12), dbSNP rs753703004, ClinGen allele CA070789.